The following is an entry in ClinVar:

NM_004793.4(LONP1):c.2557G>A (p.Gly853Ser)

Gene: LONP1 (lon peptidase 1, mitochondrial; minus strand). Cytogenetic location: 19p13.3.
Variant type: single nucleotide variant.
Coding change: c.2557G>A on transcript NM_004793.4 (MANE Select); coding-DNA position 2557, G replaced by A.
Protein change: p.Gly853Ser; replaces glycine 853 with serine.
Molecular consequence: missense variant. On other transcripts: non-coding transcript variant (1).
Genome position (GRCh38, 1-based): chr19:5,693,444, C>T on the plus strand (G>A on the coding strand, the complement: LONP1 is on the minus strand). VCF-style: chr19-5693444-C-T. GRCh37 (hg19) VCF-style: chr19-5693455-C-T.
Other names: c.2365G>A, p.Gly789Ser (NM_001276479.2); c.1969G>A, p.Gly657Ser (NM_001276480.1); short protein forms G657S, G789S, G853S.
Identifiers: ClinVar variation 3774167 (VCV003774167.2).
Genomic context (GRCh38, chr19:5,693,444, plus strand): 5'-CAGGCCTGCCCATGGCCAGGGACAGCAGGGCCGTGACGATGGTGCAGCCTGCGCTTGGGC[C>T]GTCCTTGGGGGTGGCGCCCTGTGGAGGCATGTGGGGATAGTGGGTGAGCAGGTGGCCAGC-3'
Protein context (NP_004784.2, residues 843-863): HVPEGATPKD[Gly853Ser]PSAGCTIVTA

ClinVar aggregate classification (germline): Uncertain significance (1 of 4 stars; one submission).

gnomAD v4.1: 11 of 1,611,340 alleles (0.00068%); highest among the groups gnomAD compares: Admixed American, 0.0017%; no homozygotes.

Submission:

GeneDx
Classification: Uncertain significance. Last evaluated: 2026-05-30. Review status: criteria provided, single submitter. Criteria: GeneDx Variant Classification Process June 2021. Collection method: clinical testing. Allele origin: germline.
Comment: Not observed at significant frequency in large population cohorts (gnomAD); In silico analysis supports that this missense variant has a deleterious effect on protein structure/function; Has not been previously published as pathogenic or benign to our knowledge